The following is an entry in ClinVar:

ClinVar aggregate classification (germline): Uncertain significance (1 of 4 stars; one submission).

Submission:

Ambry Genetics
Classification: Uncertain significance. Last evaluated: 2024-05-31. Review status: criteria provided, single submitter. Criteria: Ambry Variant Classification Scheme 2023. Collection method: clinical testing. Allele origin: germline.
Comment: The p.Y2412S variant (also known as c.7235A>C), located in coding exon 26 of the POLQ gene, results from an A to C substitution at nucleotide position 7235. The tyrosine at codon 2412 is replaced by serine, an amino acid with dissimilar properties. This amino acid position is conserved. In addition, this alteration is predicted to be deleterious by in silico analysis. Based on the available evidence, the clinical significance of this variant remains unclear.

NM_199420.4(POLQ):c.7235A>C (p.Tyr2412Ser)

Gene: POLQ (DNA polymerase theta; minus strand). Cytogenetic location: 3q13.33.
Variant type: single nucleotide variant.
Coding change: c.7235A>C on transcript NM_199420.4 (MANE Select); coding-DNA position 7235, A replaced by C.
Protein change: p.Tyr2412Ser; replaces tyrosine 2412 with serine.
Molecular consequence: missense variant.
Genome position (GRCh38, 1-based): chr3:121,449,344, T>G on the plus strand (A>C on the coding strand, the complement: POLQ is on the minus strand). VCF-style: chr3-121449344-T-G. GRCh37 (hg19) VCF-style: chr3-121168191-T-G.
Other names: short protein forms Y2412S.
Identifiers: ClinVar variation 3308710 (VCV003308710.1).